The following is an entry in ClinVar:

NM_001042492.3(NF1):c.6808A>G (p.Ile2270Val)

Gene: NF1 (neurofibromin 1; plus strand). Cytogenetic location: 17q11.2.
Variant type: single nucleotide variant.
Coding change: c.6808A>G on transcript NM_001042492.3 (MANE Select); coding-DNA position 6808, A replaced by G.
Protein change: p.Ile2270Val; replaces isoleucine 2270 with valine.
Molecular consequence: missense variant.
Genome position (GRCh38, 1-based): chr17:31,338,128, A>G. VCF-style: chr17-31338128-A-G. GRCh37 (hg19) VCF-style: chr17-29665146-A-G.
Other names: c.6745A>G, p.Ile2249Val (NM_000267.4); short protein forms I2249V, I2270V.
Identifiers: ClinVar variation 1755206 (VCV001755206.7), dbSNP rs2151558377, ClinGen allele CA399014200.

ClinVar aggregate classification (germline): Uncertain significance. Review status: criteria provided, multiple submitters, no conflicts (2 of 4 stars). 2 submissions from 2 submitters: Uncertain significance (2). Last evaluated 2022-07-02.

Conditions:
Cardiovascular phenotype. Identifiers: MedGen CN230736.
Hereditary cancer-predisposing syndrome. Also called: Neoplastic Syndromes, Hereditary; Tumor predisposition; Hereditary neoplastic syndrome; Hereditary Cancer Syndrome. Identifiers: Orphanet 140162, MedGen C0027672, MeSH D009386, MONDO:0015356.
Neurofibromatosis, type 1 (NF1). Also called: Peripheral type neurofibromatosis; VON RECKLINGHAUSEN DISEASE; NEUROFIBROMATOSIS, TYPE I, SOMATIC; Neurofibromatosis, type I. Identifiers: Orphanet 636, MedGen C0027831, MONDO:0018975, OMIM 162200. Disease mechanism: loss of function.

Submissions (2):

Labcorp Genetics (formerly Invitae), Labcorp
Classification: Uncertain significance for Neurofibromatosis, type 1. Last evaluated: 2022-07-02. Review status: criteria provided, single submitter. Criteria: Invitae Variant Classification Sherloc (09022015). Collection method: clinical testing. Allele origin: germline.
Comment: In summary, the available evidence is currently insufficient to determine the role of this variant in disease. Therefore, it has been classified as a Variant of Uncertain Significance. Advanced modeling of protein sequence and biophysical properties (such as structural, functional, and spatial information, amino acid conservation, physicochemical variation, residue mobility, and thermodynamic stability) performed at Invitae indicates that this missense variant is not expected to disrupt NF1 protein function. This variant has not been reported in the literature in individuals affected with NF1-related conditions. This variant is not present in population databases (gnomAD no frequency). This sequence change replaces isoleucine, which is neutral and non-polar, with valine, which is neutral and non-polar, at codon 2249 of the NF1 protein (p.Ile2249Val).

Ambry Genetics
Classification: Uncertain significance for Cardiovascular phenotype; Hereditary cancer-predisposing syndrome. Last evaluated: 2019-10-17. Review status: criteria provided, single submitter. Criteria: Ambry Variant Classification Scheme 2023. Collection method: clinical testing. Allele origin: germline.
Comment: The p.I2249V variant (also known as c.6745A>G), located in coding exon 44 of the NF1 gene, results from an A to G substitution at nucleotide position 6745. The isoleucine at codon 2249 is replaced by valine, an amino acid with highly similar properties. This amino acid position is highly conserved in available vertebrate species. In addition, the in silico prediction for this alteration is inconclusive. Since supporting evidence is limited at this time, the clinical significance of this alteration remains unclear.